The following is an entry in ClinVar:

ClinVar aggregate classification (germline): Uncertain significance (1 of 4 stars; one submission).

Conditions:
Nephronophthisis. Also called: Juvenile Nephronophthisis. Identifiers: Orphanet 655, MedGen C0687120, MONDO:0019005, HP:0000090.

Allele frequency attached by ClinVar (database versions not stated): gnomAD exomes below 0.00001.
gnomAD v4.1: 1 of 1,613,864 alleles (0.000062%); highest among the groups gnomAD compares: Non-Finnish European, 0.000085%; no homozygotes.

Submission:

Labcorp Genetics (formerly Invitae), Labcorp
Classification: Uncertain significance for Nephronophthisis. Last evaluated: 2021-09-06. Review status: criteria provided, single submitter. Criteria: Invitae Variant Classification Sherloc (09022015). Collection method: clinical testing. Allele origin: germline.
Comment: This variant is not present in population databases (ExAC no frequency). In summary, the available evidence is currently insufficient to determine the role of this variant in disease. Therefore, it has been classified as a Variant of Uncertain Significance. Algorithms developed to predict the effect of missense changes on protein structure and function are either unavailable or do not agree on the potential impact of this missense change (SIFT: "Deleterious"; PolyPhen-2: "Benign"; Align-GVGD: "Class C0"). This variant has not been reported in the literature in individuals affected with NPHP4-related conditions. This sequence change replaces valine with glutamic acid at codon 370 of the NPHP4 protein (p.Val370Glu). The valine residue is weakly conserved and there is a moderate physicochemical difference between valine and glutamic acid.

NM_015102.5(NPHP4):c.1109T>A (p.Val370Glu)

Gene: NPHP4 (nephrocystin 4; minus strand). Cytogenetic location: 1p36.31.
Variant type: single nucleotide variant.
Coding change: c.1109T>A on transcript NM_015102.5 (MANE Select); coding-DNA position 1109, T replaced by A.
Protein change: p.Val370Glu; replaces valine 370 with glutamic acid.
Molecular consequence: missense variant. On other transcripts: 5 prime UTR variant (2), non-coding transcript variant (1).
Genome position (GRCh38, 1-based): chr1:5,947,114, A>T on the plus strand (T>A on the coding strand, the complement: NPHP4 is on the minus strand). VCF-style: chr1-5947114-A-T. GRCh37 (hg19) VCF-style: chr1-6007174-A-T.
Other names: c.-258T>A (NM_001291593.2, NM_001291594.2); short protein forms V370E.
Identifiers: ClinVar variation 1426048 (VCV001426048.6), dbSNP rs2101923937, ClinGen allele CA338063679.
Genomic context (GRCh38, chr1:5,947,114, plus strand): 5'-ACACAGAGTTCACCACCAGAGGAAACCGAGTGCAAAAGGGCTGTTCTTACATTGCCGTCC[A>T]CTCCTGCAGGGCTGCTGAACACGTACTCCAGCTGGAAGATGACCGCAAATGCAGGGTGGC-3'
Protein context (NP_055917.1, residues 360-380): LEYVFSSPAG[Val370Glu]DGNAASVTSL